The following is an entry in ClinVar:

ClinVar aggregate classification (germline): Pathogenic (1 of 4 stars; one submission).

Conditions:
Autosomal recessive limb-girdle muscular dystrophy. Identifiers: Orphanet 102015, MedGen C2931907, MONDO:0015152.

Submission:

Women's Health and Genetics/Laboratory Corporation of America, LabCorp
Classification: Pathogenic for Autosomal recessive limb-girdle muscular dystrophy. Last evaluated: 2023-04-24. Review status: criteria provided, single submitter. Criteria: LabCorp Variant Classification Summary - May 2015. Collection method: clinical testing. Allele origin: germline.
Comment: Variant summary: The variant identified by MLPA or other technology involves the deletion of exon 2 in the TRIM32 gene. A presumed nomenclature of c.(-82+1_-81-1)_(*1597_?)del has been designated for the purposes of this classification. Although exact breakpoints of this deletion are not known, it results in the deletion of the entire protein coding region of the TRIM32 gene, a known mechanism of disease. The variant allele was found at a frequency of 4.6e-05 in 21694 control chromosomes (gnomAD, structural variants dataset). c.(-82+1_-81-1)_(*1597_?)del has been reported in the literature in individuals affected with autosomal recessive Limb-Girdle Muscular Dystrophy (e.g. Johnson_2019, Tan_2020, Wei_2021). These data indicate that the variant is likely to be associated with disease. Four clinical diagnostic laboratories have submitted clinical-significance assessments for similar variants, which encompass the deletion of exon 2 in the TRIM32 gene, to ClinVar after 2014 and three classified the variant as VUS without evidence for independent evaluation, while one classified it as pathogenic. Based on the evidence outlined above, the variant was classified as pathogenic.

Literature cited by the submitters: PubMed 29921608; PubMed 32721234; PubMed 33485293.

NC_000009.11:g.(119449661_119459940)_(119463580_?)del

Genes: TRIM32 (tripartite motif containing 32; plus strand), ASTN2 (astrotactin 2; minus strand). Cytogenetic location: 9q33.1.
Variant type: Deletion.
Identifiers: ClinVar variation 2504043 (VCV002504043.1).